The following is an entry in ClinVar:

NM_001371986.1(UNC80):c.2091G>A (p.Lys697=)

Gene: UNC80 (unc-80 subunit of NALCN channel complex; plus strand). Cytogenetic location: 2q34.
Variant type: single nucleotide variant.
Coding change: c.2091G>A on transcript NM_001371986.1 (MANE Select); coding-DNA position 2091, G replaced by A.
Protein change: p.Lys697=; no amino-acid change (lysine 697 retained).
Molecular consequence: synonymous variant.
Genome position (GRCh38, 1-based): chr2:209,820,439, G>A. VCF-style: chr2-209820439-G-A. GRCh37 (hg19) VCF-style: chr2-210685163-G-A.
Other names: c.2091G>A, p.Lys697= (NM_032504.2, NM_182587.4).
Identifiers: ClinVar variation 1636032 (VCV001636032.10), dbSNP rs1326422721, ClinGen allele CA430991679.
Genomic context (GRCh38, chr2:209,820,439, plus strand): 5'-AAACATTGTGGAATGCTTGCTTCAACTTGGTGTGGTGCCCTGTGTAGAAAAGAATAGAAA[G>A]AAGAGTGAAAACAAGGAAAATGAGACCTTGGAAAAGAGGCCAAGTGAGGGAGCTTTCCAA-3'
Protein context (NP_001358915.1, residues 687-707): GVVPCVEKNR[Lys697=]KSENKENETL

ClinVar aggregate classification (germline): Likely benign. Review status: criteria provided, multiple submitters, no conflicts (2 of 4 stars). 2 submissions from 2 submitters: Likely benign (2). Last evaluated 2026-04-01.

Allele frequency attached by ClinVar (database versions not stated): gnomAD exomes below 0.00001 and 0.00001.

Submissions (2):

CeGaT Center for Human Genetics Tuebingen
Classification: Likely benign. Last evaluated: 2026-04-01. Review status: criteria provided, single submitter. Criteria: CeGaT Center For Human Genetics Tuebingen Variant Classification Criteria Version 2. Collection method: clinical testing. Allele origin: germline. Affected: yes. Observed: 1 variant allele.
Comment: UNC80: BP4, BP7

Labcorp Genetics (formerly Invitae), Labcorp
Classification: Likely benign. Last evaluated: 2025-11-24. Review status: criteria provided, single submitter. Criteria: Invitae Variant Classification Sherloc (09022015). Collection method: clinical testing. Allele origin: germline.